The following is an entry in ClinVar:

NM_007294.4(BRCA1):c.2835dup (p.Ile946fs)

Gene: BRCA1 (BRCA1 DNA repair associated; minus strand). Cytogenetic location: 17q21.31.
Variant type: Duplication.
Coding change: c.2835dup on transcript NM_007294.4 (MANE Select); coding-DNA position 2835, one base duplicated (T; older notation c.2835dupT).
Protein change: p.Ile946fs; shifts the reading frame from isoleucine 946.
Molecular consequence: frameshift variant. On other transcripts: intron variant (137).
Genome position (GRCh38, 1-based): chr17:43,092,696, A duplicated on the plus strand (T on the coding strand, the reverse complement: BRCA1 is on the minus strand). VCF-style (leftmost placement, unchanged base first): chr17-43092695-T-TA. GRCh37 (hg19) VCF-style: chr17-41244712-T-TA.
Other names: 2954insT; c.2835dupT (NM_007294.3); c.2499dup, p.Ile834fs (NM_001407956.1, NM_001407958.1, NM_001407954.1 and 1 more transcripts); c.2502dup, p.Ile835fs (NM_001407957.1, NM_001407946.1, NM_001407947.1 and 6 more transcripts); c.2454dup, p.Ile819fs (NM_001407959.1, NM_001407960.1, NM_001407963.1); c.2451dup, p.Ile818fs (NM_001407962.1); c.2691dup, p.Ile898fs (NM_001407964.1, NM_001407740.1, NM_001407741.1 and 20 more transcripts); c.2331dup, p.Ile778fs (NM_001407965.1); and 43 more; short protein forms I899fs, I946fs, I819fs, I835fs, I875fs, I818fs, I876fs, I905fs.
Identifiers: ClinVar variation 54695 (VCV000054695.28), dbSNP rs80357519, ClinGen allele CA001853.

ClinVar aggregate classification (germline): Pathogenic. Review status: reviewed by expert panel (3 of 4 stars). 11 submissions from 11 submitters: Pathogenic (1). 10 of the submissions do not count toward it. Last evaluated 2016-09-08.

Conditions:
Hereditary cancer-predisposing syndrome. Also called: Tumor predisposition; Neoplastic Syndromes, Hereditary; Hereditary Cancer Syndrome; Hereditary neoplastic syndrome. Identifiers: Orphanet 140162, MedGen C0027672, MeSH D009386, MONDO:0015356.
Hereditary breast ovarian cancer syndrome. Also called: Hereditary breast and ovarian cancer syndrome (HBOC); Hereditary breast and ovarian cancer syndrome; Hereditary breast and ovarian cancer; Hereditary breast and/or ovarian cancer syndrome; Breast and ovarian cancer; BRCA1- and BRCA2-Associated Hereditary Breast and Ovarian Cancer. Identifiers: Orphanet 145, MedGen C0677776, MeSH D061325, MONDO:0003582. Disease mechanism: loss of function.
Breast-ovarian cancer, familial, susceptibility to, 1 (BROVCA1). Also called: OVARIAN CANCER, SUSCEPTIBILITY TO; BRCA1 Hereditary Breast and Ovarian Cancer. Identifiers: Orphanet 145, MedGen C2676676, MONDO:0011450, OMIM 604370. Disease mechanism: loss of function.

Submissions (11):

Evidence-based Network for the Interpretation of Germline Mutant Alleles (ENIGMA)
Classification: Pathogenic for Breast-ovarian cancer, familial, susceptibility to, 1. Last evaluated: 2016-09-08. Review status: reviewed by expert panel. Criteria: ENIGMA BRCA1/2 Classification Criteria (2015). Collection method: curation. Allele origin: germline.
Comment: Variant allele predicted to encode a truncated non-functional protein.

Color Diagnostics, LLC DBA Color Health
Classification: Pathogenic for Hereditary cancer-predisposing syndrome. Last evaluated: 2024-06-18. Review status: criteria provided, single submitter. Criteria: ACMG Guidelines, 2015. Collection method: clinical testing. Allele origin: germline. Not counted in ClinVar's aggregate classification.
Comment: This variant inserts 1 nucleotide in exon 10 of the BRCA1 gene, creating a frameshift and premature translation stop signal. This variant is expected to result in an absent or non-functional protein product. To our knowledge, functional studies have not been reported for this variant. This variant has been observed in one individual affected with triple-negative breast cancer (PMID: 25682074), and at least one suspected hereditary breast and ovarian cancer family (PMID: 9333265, 32614418). The variant has been identified in one family in the CIMBA study (PMID: 29446198). This variant has not been identified in the general population by the Genome Aggregation Database (gnomAD). Loss of BRCA1 function is a known mechanism of disease. Based on the available evidence, this variant is classified as Pathogenic.

GeneDx
Classification: Pathogenic. Last evaluated: 2023-04-10. Review status: criteria provided, single submitter. Criteria: GeneDx Variant Classification Process June 2021. Collection method: clinical testing. Allele origin: germline. Affected: yes. Not counted in ClinVar's aggregate classification.
Comment: Frameshift variant predicted to result in protein truncation or nonsense mediated decay in a gene for which loss-of-function is a known mechanism of disease; Not observed in large population cohorts (gnomAD); Truncating variants in this gene are considered pathogenic by a well-established clinical consortium and/or database; Also known as 2954dupT; This variant is associated with the following publications: (PMID: 29446198, 9333265, 31853058, 27062684, 25682074)

Ambry Genetics
Classification: Pathogenic for Hereditary cancer-predisposing syndrome. Last evaluated: 2023-03-06. Review status: criteria provided, single submitter. Criteria: Ambry Variant Classification Scheme 2023. Collection method: clinical testing. Allele origin: germline. Not counted in ClinVar's aggregate classification.
Comment: The c.2835dupT pathogenic mutation, located in coding exon 9 of the BRCA1 gene, results from a duplication of T at nucleotide position 2835, causing a translational frameshift with a predicted alternate stop codon (p.I946YFS*6). This alteration was first detected in 1/798 individuals from a multi-center study of persons thought to be at elevated a priori risk for a BRCA1 mutation based on personal and/or family history (Shattuck-Eidens D et al. JAMA 1997 Oct;278:1242-50). In addition to the clinical data presented in the literature, this alteration is expected to result in loss of function by premature protein truncation or nonsense-mediated mRNA decay. As such, this alteration is interpreted as a disease-causing mutation.

Labcorp Genetics (formerly Invitae), Labcorp
Classification: Pathogenic for Hereditary breast ovarian cancer syndrome. Last evaluated: 2022-10-17. Review status: criteria provided, single submitter. Criteria: Invitae Variant Classification Sherloc (09022015). Collection method: clinical testing. Allele origin: germline. Not counted in ClinVar's aggregate classification.
Comment: For these reasons, this variant has been classified as Pathogenic. ClinVar contains an entry for this variant (Variation ID: 54695). This variant is also known as 2954insT. This premature translational stop signal has been observed in individual(s) with breast cancer (PMID: 9333265, 25682074, 29446198). This variant is not present in population databases (gnomAD no frequency). This sequence change creates a premature translational stop signal (p.Ile946Tyrfs*6) in the BRCA1 gene. It is expected to result in an absent or disrupted protein product. Loss-of-function variants in BRCA1 are known to be pathogenic (PMID: 20104584).

Baylor Genetics
Classification: Pathogenic for Breast-ovarian cancer, familial, susceptibility to, 1. Last evaluated: 2022-09-27. Review status: criteria provided, single submitter. Criteria: ACMG Guidelines, 2015. Collection method: clinical testing. Allele origin: unknown. Not counted in ClinVar's aggregate classification.

Women's Health and Genetics/Laboratory Corporation of America, LabCorp
Classification: Pathogenic for Hereditary breast ovarian cancer syndrome. Last evaluated: 2022-08-16. Review status: criteria provided, single submitter. Criteria: LabCorp Variant Classification Summary - May 2015. Collection method: clinical testing. Allele origin: germline. Not counted in ClinVar's aggregate classification.
Comment: Variant summary: BRCA1 c.2835dupT (p.Ile946TyrfsX6) results in a premature termination codon, predicted to cause a truncation of the encoded protein or absence of the protein due to nonsense mediated decay, which are commonly known mechanisms for disease. Truncations downstream of this position have been classified as pathogenic by our laboratory. The variant was absent in 251308 control chromosomes. c.2835dupT has been reported in the literature in individuals affected with Hereditary Breast And Ovarian Cancer Syndrome (examples: Rebbeck_2018, Azzollini_2016, Wong-Brown_2015, etc). These data indicate that the variant is likely to be associated with disease. Seven clinical diagnostic laboratories have submitted clinical-significance assessments for this variant to ClinVar after 2014 without evidence for independent evaluation. All laboratories classified the variant as pathogenic. Based on the evidence outlined above, the variant was classified as pathogenic.

Johns Hopkins Genomics, Johns Hopkins University
Classification: Pathogenic for Breast-ovarian cancer, familial, susceptibility to, 1. Last evaluated: 2021-04-15. Review status: criteria provided, single submitter. Criteria: ACMG Guidelines, 2015. Collection method: clinical testing. Allele origin: germline. Not counted in ClinVar's aggregate classification.
Comment: This BRCA1 variant (rs80357519) is absent in a large population database and has an entry in ClinVar. This frameshift variant in exon 10 of 23 results in a premature termination codon (PTC) likely leading to nonsense-mediated mRNA decay and lack of protein production. We consider c.2835dupT to be pathogenic.

Consortium of Investigators of Modifiers of BRCA1/2 (CIMBA), c/o University of Cambridge
Classification: Pathogenic for Breast-ovarian cancer, familial, susceptibility to, 1. Last evaluated: 2015-10-02. Review status: criteria provided, single submitter. Criteria: CIMBA Mutation Classification guidelines May 2016. Collection method: clinical testing. Allele origin: germline. Not counted in ClinVar's aggregate classification.

Research Molecular Genetics Laboratory, Women's College Hospital, University of Toronto
Classification: Pathogenic for Hereditary breast ovarian cancer syndrome. Last evaluated: 2014-01-31. Review status: no assertion criteria provided. Collection method: research. Allele origin: germline. Affected: yes. Study: The Canadian Open Genetics Repository (COGR). Not counted in ClinVar's aggregate classification.

Breast Cancer Information Core (BIC) (BRCA1)
Classification: Pathogenic for Breast-ovarian cancer, familial 1. Last evaluated: 2004-02-20. Review status: no assertion criteria provided. Collection method: clinical testing. Allele origin: germline. Affected: yes. Observed: 5 variant alleles. Not counted in ClinVar's aggregate classification.

Literature cited by the submitters: PubMed 9333265 (cited by 4 submitters); PubMed 25682074 (cited by 3 submitters); PubMed 29446198 (cited by 3 submitters); PubMed 32614418 (cited by Color Diagnostics, LLC DBA Color Health); PubMed 20104584 (cited by Labcorp Genetics (formerly Invitae), Labcorp); PubMed 27062684 (cited by Women's Health and Genetics/Laboratory Corporation of America, LabCorp).